The following is an entry in ClinVar:

NM_000518.4(HBB):c.157G>C (p.Asp53His)

Genes: HBB (hemoglobin subunit beta; minus strand), LOC106099062 (HBB recombination region; plus strand), LOC107133510 (origin of replication at HBB; plus strand). Cytogenetic location: 11p15.4.
Variant type: single nucleotide variant.
Coding change: c.157G>C on transcript NM_000518.4; coding-DNA position 157, G replaced by C.
Protein change: p.Asp53His; replaces aspartic acid 53 with histidine.
Molecular consequence: missense variant (on NM_000518.5).
Genome position (GRCh38, 1-based): chr11:5,226,735, C>G on the plus strand (G>C on the coding strand, the complement: HBB is on the minus strand). VCF-style: chr11-5226735-C-G. GRCh37 (hg19) VCF-style: chr11-5247965-C-G.
Other names: D52H; c.157G>C, p.Asp53His (NM_000518.5); short protein forms D53H.
Identifiers: ClinVar variation 15362 (VCV000015362.14), dbSNP rs33961886, ClinGen allele CA125186.
Genomic context (GRCh38, chr11:5,226,735, plus strand): 5'-TAAAGGCACCGAGCACTTTCTTGCCATGAGCCTTCACCTTAGGGTTGCCCATAACAGCAT[C>G]AGGAGTGGACAGATCCCCAAAGGACTCAAAGAACCTCTGGGTCCAAGGGTAGACCACCAG-3'
Protein context (NP_000509.1, residues 43-63): FESFGDLSTP[Asp53His]AVMGNPKVKA

ClinVar aggregate classification (germline): Uncertain significance. Review status: criteria provided, multiple submitters, no conflicts (2 of 4 stars). 4 submissions from 4 submitters: Uncertain significance (2). 2 of the submissions do not count toward it. Last evaluated 2024-11-12.

Conditions:
beta Thalassemia (BTHAL). Also called: Cooley's anemia; Erythroblastic anemia; Mediterranean anemia. Identifiers: Orphanet 848, MedGen C0005283, MONDO:0019402. Disease mechanism: loss of function.
HEMOGLOBIN SUMMER HILL.

Submissions (4):

Quest Diagnostics Nichols Institute San Juan Capistrano
Classification: Uncertain significance. Last evaluated: 2024-11-12. Review status: criteria provided, single submitter. Criteria: Quest Diagnostics criteria. Collection method: clinical testing. Allele origin: unknown.
Comment: The HBB c.157G>C (p.Asp53His) variant (also known as Hb Summer Hill) has been reported to have normal stability, with no significant change in oxygen affinity/cooperativity (PMIDs: 6629828 (1983), 7190137 (1980)). Individuals who are heterozygous for this variant have a normal clinical presentation (HbVar, PMID: 6629828 (1983)). This variant has not been reported in large, multi-ethnic general populations (Genome Aggregation Database). Analysis of this variant using bioinformatics tools for the prediction of the effect of amino acid changes on protein structure and function yielded predictions that this variant is damaging. Based on the available information, we are unable to determine the clinical significance of this variant.

ARUP Laboratories, Molecular Genetics and Genomics, ARUP Laboratories
Classification: Uncertain significance. Last evaluated: 2018-10-11. Review status: criteria provided, single submitter. Criteria: ARUP Molecular Germline Variant Investigation Process. Collection method: clinical testing. Allele origin: germline.
Comment: The Hb Summer Hill variant (c.157G>C, Asp52His) has been observed in a sample submitted for thalassemia/hemoglobinopathy screening (Turner 2016), but it is reported to be functionally equivalent to Hb A and is not associated with significant clinical symptoms (HbVar database and references therein). However, its phenotype when found with other globin variants is unknown. It is listed in the dbSNP variant database (rs33961886), but not observed in the general population databases (1000 Genomes Project, Exome Variant Server, Exome Aggregation Consortium). The aspartate at residue 52 is weakly conserved, but computational algorithms (Align GVGD, Mutation Taster, PolyPhen-2, SIFT) are inconclusive on the variant's impact on the protein. Due to the limited information regarding this variant, its clinical significance is uncertain. References: Link to HbVar database for Hb Summer Hill: Turner A et al. Rapid detection of pathological mutations and deletions of the haemoglobin beta gene (HBB) by High Resolution Melting (HRM) analysis and Gene Ratio Analysis Copy Enumeration PCR (GRACE-PCR). BMC Med Genet. 2016 Oct 19;17(1):75.

Natera, Inc.
Classification: Uncertain significance for Beta thalassemia. Last evaluated: 2021-04-09. Review status: no assertion criteria provided. Collection method: clinical testing. Allele origin: germline. Not counted in ClinVar's aggregate classification.

OMIM
Classification: other for HEMOGLOBIN SUMMER HILL. Last evaluated: 2017-12-12. Review status: no assertion criteria provided. Collection method: literature only. Allele origin: germline. Not counted in ClinVar's aggregate classification.

Literature cited by the submitters: PubMed 27756326 (cited by Quest Diagnostics Nichols Institute San Juan Capistrano); PubMed 26635043 (cited by Quest Diagnostics Nichols Institute San Juan Capistrano); PubMed 25130136 (cited by Quest Diagnostics Nichols Institute San Juan Capistrano); PubMed 6629828 (cited by Quest Diagnostics Nichols Institute San Juan Capistrano and OMIM); PubMed 7190137 (cited by Quest Diagnostics Nichols Institute San Juan Capistrano and OMIM).